The following is an entry in ClinVar:

NM_014795.4(ZEB2):c.2417_2432del (p.Phe806fs)

Gene: ZEB2 (zinc finger E-box binding homeobox 2; minus strand). Cytogenetic location: 2q22.3.
Variant type: Deletion.
Coding change: c.2417_2432del on transcript NM_014795.4 (MANE Select); coding-DNA positions 2417 to 2432, 16 bases deleted (TCTCTTCTGAGGAGCT).
Protein change: p.Phe806fs; shifts the reading frame from phenylalanine 806.
Molecular consequence: frameshift variant.
Genome position (GRCh38, 1-based): chr2:144,398,755-144,398,770, AGCTCCTCAGAAGAGA deleted on the plus strand (TCTCTTCTGAGGAGCT on the coding strand, the reverse complement: ZEB2 is on the minus strand); deleting any 16 consecutive bases within chr2:144,398,755-144,398,774 gives the same sequence; the c. name uses the placement nearest the transcript's 3' end. VCF-style (leftmost placement, unchanged base first): chr2-144398754-GAGCTCCTCAGAAGAGA-G. GRCh37 (hg19) VCF-style: chr2-145156321-GAGCTCCTCAGAAGAGA-G.
Other names: c.2345_2360del, p.Phe782fs (NM_001171653.2); short protein forms F782fs, F806fs.
Identifiers: ClinVar variation 3067788 (VCV003067788.21), dbSNP rs2549105962, ClinGen allele CA2825000995.

ClinVar aggregate classification (germline): Pathogenic (1 of 4 stars; one submission).

Submission:

CeGaT Center for Human Genetics Tuebingen
Classification: Pathogenic. Last evaluated: 2024-03-01. Review status: criteria provided, single submitter. Criteria: CeGaT Center For Human Genetics Tuebingen Variant Classification Criteria Version 2. Collection method: clinical testing. Allele origin: germline. Affected: yes. Observed: 1 variant allele.
Comment: ZEB2: PVS1, PM2, PS2:Moderate